The following is an entry in ClinVar:

ClinVar aggregate classification (germline): Uncertain significance. Review status: criteria provided, multiple submitters, no conflicts (2 of 4 stars). 2 submissions from 2 submitters: Uncertain significance (2). Last evaluated 2024-12-04.

Conditions:
Multiple congenital anomalies-hypotonia-seizures syndrome 2 (MCAHS2). Also called: EPILEPTIC ENCEPHALOPATHY, EARLY INFANTILE, 20; GLYCOSYLPHOSPHATIDYLINOSITOL BIOSYNTHESIS DEFECT 4. Identifiers: Orphanet 300496, MedGen C3275508, MONDO:0010466, OMIM 300868.

Allele frequency attached by ClinVar (database versions not stated): gnomAD exomes below 0.00001; TOPMed 0.00002; ESP Exome Variant Server 0.00009.
gnomAD v4.1: 1 of 1,210,781 alleles (0.000083%); highest among the groups gnomAD compares: African/African-American, 0.0017%; no homozygotes.

Submissions (2):

Labcorp Genetics (formerly Invitae), Labcorp
Classification: Uncertain significance for Multiple congenital anomalies-hypotonia-seizures syndrome 2. Last evaluated: 2024-12-04. Review status: criteria provided, single submitter. Criteria: Invitae Variant Classification Sherloc (09022015). Collection method: clinical testing. Allele origin: germline.
Comment: This sequence change replaces threonine, which is neutral and polar, with alanine, which is neutral and non-polar, at codon 172 of the PIGA protein (p.Thr172Ala). This variant is not present in population databases (gnomAD no frequency). This variant has not been reported in the literature in individuals affected with PIGA-related conditions. ClinVar contains an entry for this variant (Variation ID: 1477450). Invitae Evidence Modeling of protein sequence and biophysical properties (such as structural, functional, and spatial information, amino acid conservation, physicochemical variation, residue mobility, and thermodynamic stability) indicates that this missense variant is not expected to disrupt PIGA protein function with a negative predictive value of 95%. In summary, the available evidence is currently insufficient to determine the role of this variant in disease. Therefore, it has been classified as a Variant of Uncertain Significance.

GeneDx
Classification: Uncertain significance. Last evaluated: 2023-04-12. Review status: criteria provided, single submitter. Criteria: GeneDx Variant Classification Process June 2021. Collection method: clinical testing. Allele origin: germline. Affected: yes.
Comment: Not observed at significant frequency in large population cohorts (gnomAD); In silico analysis supports that this missense variant does not alter protein structure/function; Has not been previously published as pathogenic or benign to our knowledge

NM_002641.4(PIGA):c.514A>G (p.Thr172Ala)

Gene: PIGA (phosphatidylinositol glycan anchor biosynthesis class A; minus strand). Cytogenetic location: Xp22.2.
Variant type: single nucleotide variant.
Coding change: c.514A>G on transcript NM_002641.4 (MANE Select); coding-DNA position 514, A replaced by G.
Protein change: p.Thr172Ala; replaces threonine 172 with alanine.
Molecular consequence: missense variant. On other transcripts: intron variant (1).
Genome position (GRCh38, 1-based): chrX:15,331,417, T>C on the plus strand (A>G on the coding strand, the complement: PIGA is on the minus strand). VCF-style: chrX-15331417-T-C. GRCh37 (hg19) VCF-style: chrX-15349539-T-C.
Other names: c.514A>G (NM_002641.3); c.13+4084A>G (NM_020473.3); short protein forms T172A.
Identifiers: ClinVar variation 1477450 (VCV001477450.8), dbSNP rs375707235, ClinGen allele CA326944945.